The following is an entry in ClinVar:

NM_017617.5(NOTCH1):c.6107C>G (p.Ala2036Gly)

Genes: NOTCH1 (notch receptor 1; minus strand), LOC126860794 (BRD4-independent group 4 enhancer GRCh37_chr9:139392592-139393791; plus strand). Cytogenetic location: 9q34.3.
Variant type: single nucleotide variant.
Coding change: c.6107C>G on transcript NM_017617.5 (MANE Select); coding-DNA position 6107, C replaced by G.
Protein change: p.Ala2036Gly; replaces alanine 2036 with glycine.
Molecular consequence: missense variant.
Genome position (GRCh38, 1-based): chr9:136,498,972, G>C on the plus strand (C>G on the coding strand, the complement: NOTCH1 is on the minus strand). VCF-style: chr9-136498972-G-C. GRCh37 (hg19) VCF-style: chr9-139393424-G-C.
Other names: short protein forms A2036G.
Identifiers: ClinVar variation 3300451 (VCV003300451.1).

ClinVar aggregate classification (germline): Uncertain significance (1 of 4 stars; one submission).

Conditions:
Familial thoracic aortic aneurysm and aortic dissection (TAAD). Also called: Thoracic aortic aneurysms and dissections. Identifiers: Orphanet 91387, MedGen C4707243, MONDO:0019625.

Submission:

Ambry Genetics
Classification: Uncertain significance for Familial thoracic aortic aneurysm and aortic dissection. Last evaluated: 2024-04-12. Review status: criteria provided, single submitter. Criteria: Ambry Variant Classification Scheme 2023. Collection method: clinical testing. Allele origin: germline.
Comment: The p.A2036G variant (also known as c.6107C>G), located in coding exon 33 of the NOTCH1 gene, results from a C to G substitution at nucleotide position 6107. The alanine at codon 2036 is replaced by glycine, an amino acid with similar properties. This amino acid position is conserved. In addition, the in silico prediction for this alteration is inconclusive. Based on the available evidence, the clinical significance of this variant remains unclear.